The following is an entry in ClinVar:

NM_000512.5(GALNS):c.1551G>A (p.Lys517=)

Gene: GALNS (galactosamine (N-acetyl)-6-sulfatase; minus strand). Cytogenetic location: 16q24.3.
Variant type: single nucleotide variant.
Coding change: c.1551G>A on transcript NM_000512.5 (MANE Select); coding-DNA position 1551, G replaced by A.
Protein change: p.Lys517=; no amino-acid change (lysine 517 retained).
Molecular consequence: synonymous variant.
Genome position (GRCh38, 1-based): chr16:88,814,457, C>T on the plus strand (G>A on the coding strand, the complement: GALNS is on the minus strand). VCF-style: chr16-88814457-C-T. GRCh37 (hg19) VCF-style: chr16-88880865-C-T.
Other names: c.1551G>A (NM_000512.4); c.996G>A, p.Lys332= (NM_001323543.2); c.1569G>A, p.Lys523= (NM_001323544.2).
Identifiers: ClinVar variation 1155609 (VCV001155609.11), dbSNP rs148182125, ClinGen allele CA8234633.

ClinVar aggregate classification (germline): Likely benign. Review status: criteria provided, multiple submitters, no conflicts (2 of 4 stars). 3 submissions from 3 submitters: Likely benign (3). Last evaluated 2026-01-26.

Conditions:
GALNS-related disorder. Also called: GALNS-related condition.
Mucopolysaccharidosis, MPS-IV-A (MPS4A). Also called: MPS IVA; GALACTOSAMINE-6-SULFATASE DEFICIENCY; GALNS DEFICIENCY; Mucopolysaccharidosis type IV A; Mucopolysaccharidosis Type IVA; mucopolysaccharidosis type 4A. Identifiers: Orphanet 309297, Orphanet 582, MedGen C0086651, MONDO:0009659, OMIM 253000.

Allele frequency attached by ClinVar (database versions not stated): gnomAD exomes 0.00004 and 0.00014; 1000 Genomes Project 0.00040; gnomAD 0.00051 and 0.00053; ExAC 0.00052; 1000 Genomes Project 30x 0.00062; ESP Exome Variant Server 0.00077; TOPMed 0.00078.
gnomAD v4.1: 145 of 1,562,492 alleles (0.0093%); highest among the groups gnomAD compares: African/African-American, 0.18%; no homozygotes.

Submissions (3):

Labcorp Genetics (formerly Invitae), Labcorp
Classification: Likely benign for Mucopolysaccharidosis, MPS-IV-A. Last evaluated: 2026-01-26. Review status: criteria provided, single submitter. Criteria: Invitae Variant Classification Sherloc (09022015). Collection method: clinical testing. Allele origin: germline.

PreventionGenetics, part of Exact Sciences
Classification: Likely benign for GALNS-related condition. Last evaluated: 2024-10-17. Review status: criteria provided, single submitter. Criteria: ACMG Guidelines, 2015. Collection method: clinical testing. Allele origin: germline.
Comment: This variant is classified as likely benign based on ACMG/AMP sequence variant interpretation guidelines (Richards et al. 2015 PMID: 25741868, with internal and published modifications).

Breakthrough Genomics
Classification: Likely benign. Review status: criteria provided, single submitter. Criteria: ACMG Guidelines, 2015. Collection method: not provided. Allele origin: germline. Inheritance: Autosomal recessive inheritance. Affected: yes.